The following is an entry in ClinVar:

ClinVar aggregate classification (germline): Uncertain significance (1 of 4 stars; one submission).

Conditions:
Hereditary cancer-predisposing syndrome. Also called: Neoplastic Syndromes, Hereditary; Tumor predisposition; Hereditary Cancer Syndrome; Hereditary neoplastic syndrome. Identifiers: Orphanet 140162, MedGen C0027672, MeSH D009386, MONDO:0015356.

Submission:

Ambry Genetics
Classification: Uncertain significance for Hereditary cancer-predisposing syndrome. Last evaluated: 2025-08-18. Review status: criteria provided, single submitter. Criteria: Ambry Variant Classification Scheme 2023. Collection method: clinical testing. Allele origin: germline.
Comment: The p.T1258P variant (also known as c.3772A>C), located in coding exon 15 of the APC gene, results from an A to C substitution at nucleotide position 3772. The threonine at codon 1258 is replaced by proline, an amino acid with highly similar properties. This amino acid position is well conserved in available vertebrate species. In addition, in silico predictors for this gene do not accurately predict pathogenicity. Since supporting evidence is limited at this time, the clinical significance of this alteration remains unclear.

NM_000038.6(APC):c.3772A>C (p.Thr1258Pro)

Gene: APC (APC regulator of Wnt signaling pathway; plus strand). Cytogenetic location: 5q22.2.
Variant type: single nucleotide variant.
Coding change: c.3772A>C on transcript NM_000038.6 (MANE Select); coding-DNA position 3772, A replaced by C.
Protein change: p.Thr1258Pro; replaces threonine 1258 with proline.
Molecular consequence: missense variant.
Genome position (GRCh38, 1-based): chr5:112,839,366, A>C. VCF-style: chr5-112839366-A-C. GRCh37 (hg19) VCF-style: chr5-112175063-A-C.
Other names: c.3772A>C, p.Thr1258Pro (NM_001127510.3, NM_001354895.2); c.3718A>C, p.Thr1240Pro (NM_001127511.3); c.3826A>C, p.Thr1276Pro (NM_001354896.2); c.3802A>C, p.Thr1268Pro (NM_001354897.2); c.3697A>C, p.Thr1233Pro (NM_001354898.2); c.3688A>C, p.Thr1230Pro (NM_001354899.2); c.3649A>C, p.Thr1217Pro (NM_001354900.2); c.3595A>C, p.Thr1199Pro (NM_001354901.2); and 5 more; short protein forms T1240P, T1258P, T1098P, T1132P, T1167P, T1233P, T1268P, T1157P.
Identifiers: ClinVar variation 482463 (VCV000482463.6), dbSNP rs774968240, ClinGen allele CA16029606.